The following is an entry in ClinVar:

NM_001267550.2(TTN):c.21800G>A (p.Gly7267Asp)

Gene: TTN (titin; minus strand). Cytogenetic location: 2q31.2.
Variant type: single nucleotide variant.
Coding change: c.21800G>A on transcript NM_001267550.2 (MANE Select); coding-DNA position 21800, G replaced by A.
Protein change: p.Gly7267Asp; replaces glycine 7267 with aspartic acid.
Molecular consequence: missense variant. On other transcripts: intron variant (3).
Genome position (GRCh38, 1-based): chr2:178,723,207, C>T on the plus strand (G>A on the coding strand, the complement: TTN is on the minus strand). VCF-style: chr2-178723207-C-T. GRCh37 (hg19) VCF-style: chr2-179587934-C-T.
Other names: p.G6950D:GGT>GAT; c.13282+14875G>A (NM_003319.4); c.13858+14875G>A (NM_133437.4); c.13657+14875G>A (NM_133432.3); c.20849G>A, p.Gly6950Asp (NM_001256850.1); c.18068G>A, p.Gly6023Asp (NM_133378.4); short protein forms G6950D, G7267D, G6023D.
Identifiers: ClinVar variation 203302 (VCV000203302.53), dbSNP rs375627540, ClinGen allele CA311974.
Genomic context (GRCh38, chr2:178,723,207, plus strand): 5'-AGGATACAAGTTTTCTCTGTTGTGACTATGTTACATTTTTCAGAGGTAGTTATGTTAAAA[C>T]CATCCTTTTTCCAAGTGACAGAAATTGGAAGTGTTCCAGTGTAGGTGCTCTCCAGAATTA-3'
Protein context (NP_001254479.2, residues 7257-7277): LPISVTWKKD[Gly7267Asp]FNITTSEKCN

ClinVar aggregate classification (germline): Benign/Likely benign. Review status: criteria provided, multiple submitters, no conflicts (2 of 4 stars). 11 submissions from 11 submitters: Benign (3); Likely benign (5). 3 of the submissions do not count toward it. Last evaluated 2026-06-01.

Conditions:
TTN-related disorder. Also called: TTN-related disorders; TTN-related condition; TTN-related disease.
Autosomal recessive limb-girdle muscular dystrophy type 2J (LGMDR10). Also called: Limb-girdle muscular dystrophy, type 2J; MUSCULAR DYSTROPHY, LIMB-GIRDLE, AUTOSOMAL RECESSIVE 10. Identifiers: Orphanet 140922, MedGen C1837342, MONDO:0012127, OMIM 608807.
Dilated cardiomyopathy 1G (CMD1G). Identifiers: Orphanet 154, MedGen C1858763, MONDO:0011400, OMIM 604145.
Cardiomyopathy (CMYO). Also called: Cardiomyopathies. Identifiers: Orphanet 167848, MedGen C0878544, MONDO:0004994, HP:0001638. Inheritance: Various modes of inheritance.

Allele frequency attached by ClinVar (database versions not stated): gnomAD 0.00027 and 0.00002; gnomAD exomes 0.00069; ExAC 0.00081; 1000 Genomes Project 0.00200; 1000 Genomes Project 30x 0.00203; TOPMed 0.00010.
gnomAD v4.1: 567 of 1,613,460 alleles (0.035%); highest among the groups gnomAD compares: South Asian, 0.58%; 11 homozygotes.

Submissions (11):

CeGaT Center for Human Genetics Tuebingen
Classification: Likely benign. Last evaluated: 2026-06-01. Review status: criteria provided, single submitter. Criteria: CeGaT Center For Human Genetics Tuebingen Variant Classification Criteria Version 2. Collection method: clinical testing. Allele origin: germline. Affected: yes. Observed: 2 variant alleles.
Comment: TTN: BP4, BS2

Labcorp Genetics (formerly Invitae), Labcorp
Classification: Benign for Dilated cardiomyopathy 1G; Autosomal recessive limb-girdle muscular dystrophy type 2J. Last evaluated: 2026-02-02. Review status: criteria provided, single submitter. Criteria: Invitae Variant Classification Sherloc (09022015). Collection method: clinical testing. Allele origin: germline.

Women's Health and Genetics/Laboratory Corporation of America, LabCorp
Classification: Likely benign. Last evaluated: 2022-02-12. Review status: criteria provided, single submitter. Criteria: LabCorp Variant Classification Summary - May 2015. Collection method: clinical testing. Allele origin: germline.

CHEO Genetics Diagnostic Laboratory, Children's Hospital of Eastern Ontario
Classification: Benign for Cardiomyopathy. Last evaluated: 2021-11-25. Review status: criteria provided, single submitter. Criteria: ACMG Guidelines, 2015. Collection method: clinical testing. Allele origin: germline.

Athena Diagnostics
Classification: Likely benign. Last evaluated: 2018-02-20. Review status: criteria provided, single submitter. Criteria: Athena Diagnostics Criteria. Collection method: clinical testing. Allele origin: germline.

GeneDx
Classification: Benign. Last evaluated: 2016-08-24. Review status: criteria provided, single submitter. Criteria: GeneDx Variant Classification (06012015). Collection method: clinical testing. Allele origin: germline. Affected: yes.
Comment: This variant is considered likely benign or benign based on one or more of the following criteria: it is a conservative change, it occurs at a poorly conserved position in the protein, it is predicted to be benign by multiple in silico algorithms, and/or has population frequency not consistent with disease.

Eurofins Ntd Llc (ga)
Classification: Likely benign. Last evaluated: 2015-09-15. Review status: criteria provided, single submitter. Criteria: EGL Classification Definitions 2015. Collection method: clinical testing. Allele origin: germline. Observed: 1 variant allele, 1 heterozygote.

Laboratory for Molecular Medicine, Mass General Brigham Personalized Medicine
Classification: Likely benign. Last evaluated: 2015-04-29. Review status: criteria provided, single submitter. Criteria: LMM Criteria. Collection method: clinical testing. Allele origin: germline. Observed: 1 variant allele.
Comment: p.Gly6023Asp in exon 72 of TTN: This variant is not expected to have clinical si gnificance because it has been identified in 0.6% (97/16584) of South Asian chro mosomes by the Exome Aggregation Consortium (ExAC, g; dbSNP rs375627540).

PreventionGenetics, part of Exact Sciences
Classification: Benign for TTN-related condition. Last evaluated: 2023-12-07. Review status: no assertion criteria provided. Collection method: clinical testing. Allele origin: germline. Not counted in ClinVar's aggregate classification.
Comment: This variant is classified as benign based on ACMG/AMP sequence variant interpretation guidelines (Richards et al. 2015 PMID: 25741868, with internal and published modifications).

Clinical Genetics DNA and cytogenetics Diagnostics Lab, Erasmus MC, Erasmus Medical Center
Classification: Likely benign. Review status: no assertion criteria provided. Collection method: clinical testing. Allele origin: germline. Affected: yes. Study: VKGL Data-share Consensus. Not counted in ClinVar's aggregate classification.

Clinical Genetics, Academic Medical Center
Classification: Benign. Review status: no assertion criteria provided. Collection method: clinical testing. Allele origin: germline. Affected: yes. Study: VKGL Data-share Consensus. Not counted in ClinVar's aggregate classification.